The following is an entry in ClinVar:

NM_002299.4(LCT):c.3094G>A (p.Gly1032Ser)

Gene: LCT (lactase; minus strand). Cytogenetic location: 2q21.3.
Variant type: single nucleotide variant.
Coding change: c.3094G>A on transcript NM_002299.4 (MANE Select); coding-DNA position 3094, G replaced by A.
Protein change: p.Gly1032Ser; replaces glycine 1032 with serine.
Molecular consequence: missense variant.
Genome position (GRCh38, 1-based): chr2:135,809,253, C>T on the plus strand (G>A on the coding strand, the complement: LCT is on the minus strand). VCF-style: chr2-135809253-C-T. GRCh37 (hg19) VCF-style: chr2-136566823-C-T.
Other names: short protein forms G1032S.
Identifiers: ClinVar variation 1421746 (VCV001421746.6), dbSNP rs565913219, ClinGen allele CA1888115.

ClinVar aggregate classification (germline): Uncertain significance (1 of 4 stars; one submission).

Allele frequency attached by ClinVar (database versions not stated): gnomAD 0.00005 and 0.00007; TOPMed 0.00005; gnomAD exomes 0.00013 and 0.00027; ExAC 0.00029; 1000 Genomes Project 30x 0.00031; 1000 Genomes Project 0.00040.
gnomAD v4.1: 219 of 1,614,226 alleles (0.014%); highest among the groups gnomAD compares: South Asian, 0.11%; 2 homozygotes.

Submission:

Labcorp Genetics (formerly Invitae), Labcorp
Classification: Uncertain significance. Last evaluated: 2025-10-03. Review status: criteria provided, single submitter. Criteria: Invitae Variant Classification Sherloc (09022015). Collection method: clinical testing. Allele origin: germline.
Comment: This sequence change replaces glycine, which is neutral and non-polar, with serine, which is neutral and polar, at codon 1032 of the LCT protein (p.Gly1032Ser). This variant is present in population databases (rs565913219, gnomAD 0.1%), including at least one homozygous and/or hemizygous individual. This variant has not been reported in the literature in individuals affected with LCT-related conditions. ClinVar contains an entry for this variant (Variation ID: 1421746). Invitae Evidence Modeling of protein sequence and biophysical properties (such as structural, functional, and spatial information, amino acid conservation, physicochemical variation, residue mobility, and thermodynamic stability) indicates that this missense variant is expected to disrupt LCT protein function with a positive predictive value of 80%. In summary, the available evidence is currently insufficient to determine the role of this variant in disease. Therefore, it has been classified as a Variant of Uncertain Significance.